The following is an entry in ClinVar:

NM_001384125.1(BLTP1):c.6835C>T (p.Arg2279Cys)

Gene: BLTP1 (bridge-like lipid transfer protein family member 1; plus strand). Cytogenetic location: 4q27.
Variant type: single nucleotide variant.
Coding change: c.6835C>T on transcript NM_001384125.1 (MANE Select); coding-DNA position 6835, C replaced by T.
Protein change: p.Arg2279Cys; replaces arginine 2279 with cysteine.
Molecular consequence: missense variant.
Genome position (GRCh38, 1-based): chr4:122,262,836, C>T. VCF-style: chr4-122262836-C-T. GRCh37 (hg19) VCF-style: chr4-123183991-C-T.
Other names: c.6835C>T, p.Arg2279Cys (NM_015312.4); short protein forms R2279C.
Identifiers: ClinVar variation 3134234 (VCV003134234.2), dbSNP rs376700430, ClinGen allele CA3066902.

ClinVar aggregate classification (germline): Uncertain significance. Review status: criteria provided, multiple submitters, no conflicts (2 of 4 stars). 2 submissions from 2 submitters: Uncertain significance (2). Last evaluated 2023-11-14.

Allele frequency attached by ClinVar (database versions not stated): gnomAD 0.00001; gnomAD exomes 0.00004; ExAC 0.00005; TOPMed 0.00005; ESP Exome Variant Server 0.00008.
gnomAD v4.1: 54 of 1,613,690 alleles (0.0033%); highest among the groups gnomAD compares: Middle Eastern, 0.033%; no homozygotes.

Submissions (2):

GeneDx
Classification: Uncertain significance. Last evaluated: 2023-11-14. Review status: criteria provided, single submitter. Criteria: GeneDx Variant Classification Process June 2021. Collection method: clinical testing. Allele origin: germline. Affected: yes.
Comment: In silico analysis supports that this missense variant has a deleterious effect on protein structure/function; Has not been previously published as pathogenic or benign to our knowledge

Ambry Genetics
Classification: Uncertain significance. Last evaluated: 2022-08-18. Review status: criteria provided, single submitter. Criteria: Ambry Variant Classification Scheme 2023. Collection method: clinical testing. Allele origin: germline.